The following is an entry in ClinVar:

ClinVar aggregate classification (germline): Conflicting classifications of pathogenicity. Review status: criteria provided, conflicting classifications (1 of 4 stars). 3 submissions from 3 submitters: Uncertain significance (2); Likely benign (1). Last evaluated 2025-09-09.

Conditions:
Inborn genetic diseases. Identifiers: MedGen C0950123, MeSH D030342.
Infantile-onset ascending hereditary spastic paralysis (IAHSP). Also called: Infantile-Onset Ascending Hereditary Spastic Paralysis (IAHSP); Autosomal Recessive Juvenile Amyotrophic Lateral Sclerosis. Identifiers: Orphanet 293168, MedGen C2931441, MONDO:0011797, OMIM 607225. Disease mechanism: loss of function.

Allele frequency attached by ClinVar (database versions not stated): TOPMed 0.00041; gnomAD 0.00043 and 0.00039; ESP Exome Variant Server 0.00050; gnomAD exomes 0.00003 and 0.00008; ExAC 0.00012; 1000 Genomes Project 0.00020; 1000 Genomes Project 30x 0.00031.
gnomAD v4.1: 106 of 1,614,170 alleles (0.0066%); highest among the groups gnomAD compares: African/African-American, 0.13%; no homozygotes.

Submissions (3):

Labcorp Genetics (formerly Invitae), Labcorp
Classification: Likely benign for Infantile-onset ascending hereditary spastic paralysis. Last evaluated: 2025-09-09. Review status: criteria provided, single submitter. Criteria: Invitae Variant Classification Sherloc (09022015). Collection method: clinical testing. Allele origin: germline.

Ambry Genetics
Classification: Uncertain significance for Inborn genetic diseases. Last evaluated: 2025-05-28. Review status: criteria provided, single submitter. Criteria: Ambry Variant Classification Scheme 2023. Collection method: clinical testing. Allele origin: germline.

Mayo Clinic Laboratories, Mayo Clinic
Classification: Uncertain significance. Last evaluated: 2025-02-26. Review status: criteria provided, single submitter. Criteria: ACMG Guidelines, 2015. Collection method: clinical testing. Allele origin: germline. Observed: 1 variant allele.
Comment: BS1

NM_020919.4(ALS2):c.1832G>C (p.Gly611Ala)

Gene: ALS2 (alsin Rho guanine nucleotide exchange factor ALS2; minus strand). Cytogenetic location: 2q33.1.
Variant type: single nucleotide variant.
Coding change: c.1832G>C on transcript NM_020919.4 (MANE Select); coding-DNA position 1832, G replaced by C.
Protein change: p.Gly611Ala; replaces glycine 611 with alanine.
Molecular consequence: missense variant.
Genome position (GRCh38, 1-based): chr2:201,746,732, C>G on the plus strand (G>C on the coding strand, the complement: ALS2 is on the minus strand). VCF-style: chr2-201746732-C-G. GRCh37 (hg19) VCF-style: chr2-202611455-C-G.
Other names: p.Gly611Ala; c.1832G>C (NM_020919.3); short protein forms G611A.
Identifiers: ClinVar variation 1389895 (VCV001389895.9), dbSNP rs201335536, ClinGen allele CA2058335.